The following is an entry in ClinVar:

NM_173354.5(SIK1):c.1538C>A (p.Ala513Glu)

Gene: SIK1 (salt inducible kinase 1; minus strand). Cytogenetic location: 21q22.3.
Variant type: single nucleotide variant.
Coding change: c.1538C>A on transcript NM_173354.5 (MANE Select); coding-DNA position 1538, C replaced by A.
Protein change: p.Ala513Glu; replaces alanine 513 with glutamic acid.
Molecular consequence: missense variant.
Genome position (GRCh38, 1-based): chr21:43,418,466, G>T on the plus strand (C>A on the coding strand, the complement: SIK1 is on the minus strand). VCF-style: chr21-43418466-G-T. GRCh37 (hg19) VCF-style: chr21-44838346-G-T.
Other names: short protein forms A513E.
Identifiers: ClinVar variation 959035 (VCV000959035.8), dbSNP rs200402559, ClinGen allele CA321325470.
Genomic context (GRCh38, chr21:43,418,466, plus strand): 5'-CAGGCGCCCAGCAGCCCCTGAGTGGCCGGGGTGCCACTGAGCCCCGCGGGGCTTTTGCTC[G>T]CAGAGAAGGTCAGACAACTGTCAGAGCTGGTTCCCTCTGCAGGACTTGCCGTGGTGGAGG-3'
Protein context (NP_775490.2, residues 503-523): TSSDSCLTFS[Ala513Glu]SKSPAGLSGT

ClinVar aggregate classification (germline): Uncertain significance (1 of 4 stars; one submission).

Conditions:
Developmental and epileptic encephalopathy, 30 (DEE30). Also called: Epileptic encephalopathy, early infantile, 30. Identifiers: MedGen C4225360, MONDO:0014595, OMIM 616341.

Allele frequency attached by ClinVar (database versions not stated): ESP Exome Variant Server 0.00008.

Submission:

Labcorp Genetics (formerly Invitae), Labcorp
Classification: Uncertain significance for Developmental and epileptic encephalopathy, 30. Last evaluated: 2023-10-13. Review status: criteria provided, single submitter. Criteria: Invitae Variant Classification Sherloc (09022015). Collection method: clinical testing. Allele origin: germline.
Comment: This sequence change replaces alanine, which is neutral and non-polar, with glutamic acid, which is acidic and polar, at codon 513 of the SIK1 protein (p.Ala513Glu). This variant is present in population databases (rs200402559, gnomAD 0.02%). This variant has not been reported in the literature in individuals affected with SIK1-related conditions. ClinVar contains an entry for this variant (Variation ID: 959035). Advanced modeling of protein sequence and biophysical properties (such as structural, functional, and spatial information, amino acid conservation, physicochemical variation, residue mobility, and thermodynamic stability) performed at Invitae indicates that this missense variant is not expected to disrupt SIK1 protein function. In summary, the available evidence is currently insufficient to determine the role of this variant in disease. Therefore, it has been classified as a Variant of Uncertain Significance.